The following is an entry in ClinVar:

ClinVar aggregate classification (germline): Pathogenic. Review status: criteria provided, multiple submitters, no conflicts (2 of 4 stars). 5 submissions from 5 submitters: Pathogenic (4). 1 of the submissions does not count toward it. Last evaluated 2025-12-07.

Conditions:
Primary hyperoxaluria. Identifiers: Orphanet 416, MedGen C0020501, MONDO:0002474.
Primary hyperoxaluria, type I (HP1). Also called: GLYCOLIC ACIDURIA; HEPATIC AGT DEFICIENCY; OXALOSIS I; Primary hyperoxaluria type 1. Identifiers: Orphanet 416, Orphanet 93598, MedGen C0268164, MONDO:0009823, OMIM 259900. Disease mechanism: loss of function.

Submissions (5):

Natera, Inc.
Classification: Pathogenic for Primary hyperoxaluria type I. Last evaluated: 2025-12-07. Review status: criteria provided, single submitter. Criteria: Natera Variant Classification Schema (03/2026). Collection method: clinical testing. Allele origin: germline.
Comment: The c.570delG variant in AGXT is a frameshift variant predicted to shift the reading frame beginning at codon 191 and leads to a stop codon 21 codons downstream. This variant is expected to result in nonsense mediated decay, truncation, or a dysfunctional protein product. This variant is rare in the general population with a frequency below the threshold expected for the associated phenotype(s). This variant has been observed in one or more individuals affected with the associated recessive disease, as either homozygous or compound heterozygous with a second variant (PMID: 15110324). Given the available evidence, this variant is classified as Pathogenic.

Baylor Genetics
Classification: Pathogenic for Primary hyperoxaluria, type I. Last evaluated: 2023-08-21. Review status: criteria provided, single submitter. Criteria: ACMG Guidelines, 2015. Collection method: clinical testing. Allele origin: unknown.

Women's Health and Genetics/Laboratory Corporation of America, LabCorp
Classification: Pathogenic for Primary hyperoxaluria. Last evaluated: 2022-01-27. Review status: criteria provided, single submitter. Criteria: LabCorp Variant Classification Summary - May 2015. Collection method: clinical testing. Allele origin: germline.
Comment: Variant summary: AGXT c.570delG (p.Thr191ProfsX21) results in a premature termination codon, predicted to cause a truncation of the encoded protein or absence of the protein due to nonsense mediated decay, which are commonly known mechanisms for disease. Truncations downstream of this position have been classified as pathogenic by our laboratory. The variant was absent in 249618 control chromosomes (gnomAD). c.570delG has been reported in the literature in compound heterozygous individuals affected with Primary Hyperoxaluria Type 1 (Examples: Coulter-Mackie_2004 and Williams_2014). These data indicate that the variant is likely to be associated with disease. To our knowledge, no experimental evidence demonstrating an impact on protein function has been reported. One clinical diagnostic laboratory has submitted clinical-significance assessments for this variant to ClinVar after 2014 and classified the variant as pathogenic. Based on the evidence outlined above, the variant was classified as pathogenic.

Labcorp Genetics (formerly Invitae), Labcorp
Classification: Pathogenic. Last evaluated: 2019-04-30. Review status: criteria provided, single submitter. Criteria: Invitae Variant Classification Sherloc (09022015). Collection method: clinical testing. Allele origin: germline.
Comment: This sequence change creates a premature translational stop signal (p.Thr191Profs*21) in the AGXT gene. It is expected to result in an absent or disrupted protein product. This variant is not present in population databases (ExAC no frequency). This variant has been observed in individuals affected with primary hyperoxaluria type 1 (PMID: 15110324, 25629080). ClinVar contains an entry for this variant (Variation ID: 204190). Loss-of-function variants in AGXT are known to be pathogenic (PMID: 19479957). For these reasons, this variant has been classified as Pathogenic.

Clinical Biochemistry Laboratory, Health Services Laboratory
Classification: Pathogenic for Primary hyperoxaluria, type I. Last evaluated: 2014-11-27. Review status: no assertion criteria provided. Collection method: research. Allele origin: germline. Affected: yes. Not counted in ClinVar's aggregate classification.

Literature cited by the submitters: PubMed 15110324 (cited by 4 submitters); PubMed 25629080 (cited by Women's Health and Genetics/Laboratory Corporation of America, LabCorp and Labcorp Genetics (formerly Invitae), Labcorp); PubMed 19479957 (cited by Labcorp Genetics (formerly Invitae), Labcorp).

NM_000030.3(AGXT):c.570del (p.Thr191fs)

Gene: AGXT (alanine--glyoxylate aminotransferase; plus strand). Cytogenetic location: 2q37.3.
Variant type: Deletion.
Coding change: c.570del on transcript NM_000030.3 (MANE Select); coding-DNA position 570, one base deleted (G; older notation c.570delG).
Protein change: p.Thr191fs; shifts the reading frame from threonine 191.
Molecular consequence: frameshift variant.
Genome position (GRCh38, 1-based): chr2:240,873,024, G deleted; the last of 3 consecutive G bases (chr2:240,873,022-240,873,024); deleting any one gives the same sequence. VCF-style (leftmost placement, unchanged base first): chr2-240873021-CG-C. GRCh37 (hg19) VCF-style: chr2-241812438-CG-C.
Other names: c.570del (NM_000030.2); short protein forms T191fs.
Identifiers: ClinVar variation 204190 (VCV000204190.13), dbSNP rs180177240, ClinGen allele CA275841.